The following is an entry in ClinVar:

NM_004991.4(MECOM):c.1562C>G (p.Thr521Arg)

Gene: MECOM (MDS1 and EVI1 complex locus; minus strand). Cytogenetic location: 3q26.2.
Variant type: single nucleotide variant.
Coding change: c.1562C>G on transcript NM_004991.4 (MANE Select); coding-DNA position 1562, C replaced by G.
Protein change: p.Thr521Arg; replaces threonine 521 with arginine.
Molecular consequence: missense variant. On other transcripts: intron variant (2).
Genome position (GRCh38, 1-based): chr3:169,116,310, G>C on the plus strand (C>G on the coding strand, the complement: MECOM is on the minus strand). VCF-style: chr3-169116310-G-C. GRCh37 (hg19) VCF-style: chr3-168834098-G-C.
Other names: c.1193C>G, p.Thr398Arg (NM_001105077.4); c.998C>G, p.Thr333Arg (NM_001105078.4, NM_001164000.2, NM_001205194.2 and 4 more transcripts); c.1001C>G, p.Thr334Arg (NM_001163999.2, NM_001366467.2, NM_001366468.2 and 1 more transcripts); c.1562C>G, p.Thr521Arg (NM_001366466.2); c.1133-543C>G (NM_001366473.2); c.569-543C>G (NM_001366474.2); short protein forms T398R, T334R, T333R, T521R.
Identifiers: ClinVar variation 4053239 (VCV004053239.1).

ClinVar aggregate classification (germline): Uncertain significance (1 of 4 stars; one submission).

Conditions:
Inborn genetic diseases. Identifiers: MedGen C0950123, MeSH D030342.

Submission:

Ambry Genetics
Classification: Uncertain significance for Inborn genetic diseases. Last evaluated: 2025-05-06. Review status: criteria provided, single submitter. Criteria: Ambry Variant Classification Scheme 2023. Collection method: clinical testing. Allele origin: germline.
Comment: The p.T521R variant (also known as c.1562C>G), located in coding exon 8 of the MECOM gene, results from a C to G substitution at nucleotide position 1562. The threonine at codon 521 is replaced by arginine, an amino acid with similar properties. This amino acid position is conserved. In addition, this alteration is predicted to be tolerated by in silico analysis. Based on the available evidence, the clinical significance of this variant remains unclear.